The following is an entry in ClinVar:

ClinVar aggregate classification (germline): Conflicting classifications of pathogenicity. Review status: criteria provided, conflicting classifications (1 of 4 stars). 4 submissions from 4 submitters: Uncertain significance (3); Likely benign (1). Last evaluated 2025-11-20.

Conditions:
Inborn genetic diseases. Identifiers: MedGen C0950123, MeSH D030342.
Majeed syndrome (MJDS). Also called: LPIN2-Related Majeed Syndrome; CHRONIC RECURRENT MULTIFOCAL OSTEOMYELITIS 1, WITH CONGENITAL DYSERYTHROPOIETIC ANEMIA, WITH OR WITHOUT NEUTROPHILIC DERMATOSIS. Identifiers: Orphanet 77297, MedGen C1864997, MONDO:0012316, OMIM 609628.
Autoinflammatory syndrome. Identifiers: Orphanet 93665, MedGen C3890737, MONDO:0019751.

Allele frequency attached by ClinVar (database versions not stated): TOPMed below 0.00001; ExAC 0.00033.
gnomAD v4.1: 207 of 1,614,076 alleles (0.013%); highest among the groups gnomAD compares: South Asian, 0.21%; 2 homozygotes.

Submissions (4):

Ambry Genetics
Classification: Uncertain significance for Inborn genetic diseases. Last evaluated: 2025-11-20. Review status: criteria provided, single submitter. Criteria: Ambry Variant Classification Scheme 2023. Collection method: clinical testing. Allele origin: germline.

Labcorp Genetics (formerly Invitae), Labcorp
Classification: Likely benign for Majeed syndrome. Last evaluated: 2025-11-18. Review status: criteria provided, single submitter. Criteria: Invitae Variant Classification Sherloc (09022015). Collection method: clinical testing. Allele origin: germline.

GeneDx
Classification: Uncertain significance. Last evaluated: 2025-07-15. Review status: criteria provided, single submitter. Criteria: GeneDx Variant Classification Process June 2021. Collection method: clinical testing. Allele origin: germline. Affected: yes.
Comment: In silico analysis suggests that this missense variant does not alter protein structure/function; Has not been previously published as pathogenic or benign to our knowledge

Genome Diagnostics Laboratory, The Hospital for Sick Children
Classification: Uncertain significance for Autoinflammatory syndrome. Last evaluated: 2018-03-01. Review status: criteria provided, single submitter. Criteria: ACMG Guidelines, 2015. Collection method: clinical testing. Allele origin: germline. Affected: yes.

NM_001375808.2(LPIN2):c.422T>C (p.Leu141Ser)

Gene: LPIN2 (lipin 2; minus strand). Cytogenetic location: 18p11.31.
Variant type: single nucleotide variant.
Coding change: c.422T>C on transcript NM_001375808.2 (MANE Select); coding-DNA position 422, T replaced by C.
Protein change: p.Leu141Ser; replaces leucine 141 with serine.
Molecular consequence: missense variant.
Genome position (GRCh38, 1-based): chr18:2,951,223, A>G on the plus strand (T>C on the coding strand, the complement: LPIN2 is on the minus strand). VCF-style: chr18-2951223-A-G. GRCh37 (hg19) VCF-style: chr18-2951221-A-G.
Other names: c.422T>C, p.Leu141Ser (NM_001375809.1, NM_014646.2); short protein forms L141S.
Identifiers: ClinVar variation 1149198 (VCV001149198.14), dbSNP rs763550824, ClinGen allele CA8873559.
Genomic context (GRCh38, chr18:2,951,223, plus strand): 5'-TTCTTTCTCCTTCGTTTTTTCTTTTTCACAGAACTTGGAGTAAAAATTGTCTCTGTTTCC[A>G]AGACGTGTGAGATGTCTGAACTCTGAGATGGTGTTTCATCTCCACCCGATTTCACCAAAG-3'
Protein context (NP_001362737.1, residues 131-151): PSQSSDISHV[Leu141Ser]ETETIFTPSS